The following is an entry in ClinVar:

NM_001004356.3(FGFRL1):c.940C>T (p.Arg314Trp)

Gene: FGFRL1 (fibroblast growth factor receptor like 1; plus strand). Cytogenetic location: 4p16.3.
Variant type: single nucleotide variant.
Coding change: c.940C>T on transcript NM_001004356.3 (MANE Select); coding-DNA position 940, C replaced by T.
Protein change: p.Arg314Trp; replaces arginine 314 with tryptophan.
Molecular consequence: missense variant.
Genome position (GRCh38, 1-based): chr4:1,024,532, C>T. VCF-style: chr4-1024532-C-T. GRCh37 (hg19) VCF-style: chr4-1018320-C-T.
Other names: c.940C>T, p.Arg314Trp (NM_001004358.1, NM_001370296.1, NM_021923.3); short protein forms R314W.
Identifiers: ClinVar variation 2740081 (VCV002740081.3), dbSNP rs1239043664, ClinGen allele CA355933092.

ClinVar aggregate classification (germline): Uncertain significance (1 of 4 stars; one submission).

Allele frequency attached by ClinVar (database versions not stated): gnomAD 0.00001; gnomAD exomes 0.00001; TOPMed 0.00002.

Submission:

Labcorp Genetics (formerly Invitae), Labcorp
Classification: Uncertain significance. Last evaluated: 2023-09-29. Review status: criteria provided, single submitter. Criteria: Invitae Variant Classification Sherloc (09022015). Collection method: clinical testing. Allele origin: germline.
Comment: This sequence change replaces arginine, which is basic and polar, with tryptophan, which is neutral and slightly polar, at codon 314 of the FGFRL1 protein (p.Arg314Trp). In summary, the available evidence is currently insufficient to determine the role of this variant in disease. Therefore, it has been classified as a Variant of Uncertain Significance. An algorithm developed to predict the effect of missense changes on protein structure and function (PolyPhen-2) suggests that this variant is likely to be disruptive. This variant has not been reported in the literature in individuals affected with FGFRL1-related conditions. This variant is not present in population databases (gnomAD no frequency).